The following is an entry in ClinVar:

NM_000179.3(MSH6):c.792A>C (p.Glu264Asp)

Gene: MSH6 (mutS homolog 6; plus strand). Cytogenetic location: 2p16.3.
Variant type: single nucleotide variant.
Coding change: c.792A>C on transcript NM_000179.3 (MANE Select); coding-DNA position 792, A replaced by C.
Protein change: p.Glu264Asp; replaces glutamic acid 264 with aspartic acid.
Molecular consequence: missense variant. On other transcripts: 5 prime UTR variant (2).
Genome position (GRCh38, 1-based): chr2:47,798,775, A>C. VCF-style: chr2-47798775-A-C. GRCh37 (hg19) VCF-style: chr2-48025914-A-C.
Other names: c.402A>C, p.Glu134Asp (NM_001281492.2); c.-115A>C (NM_001281493.2, NM_001281494.2); short protein forms E264D, E134D.
Identifiers: ClinVar variation 234847 (VCV000234847.8), dbSNP rs876661253, ClinGen allele CA10577259.

ClinVar aggregate classification (germline): Conflicting classifications of pathogenicity. Review status: criteria provided, conflicting classifications (1 of 4 stars). 4 submissions from 4 submitters: Uncertain significance (3); Benign (1). Last evaluated 2025-10-27.

Conditions:
Hereditary nonpolyposis colorectal neoplasms. Identifiers: MedGen C0009405, MeSH D003123.
Hereditary cancer-predisposing syndrome. Also called: Hereditary neoplastic syndrome; Hereditary Cancer Syndrome; Neoplastic Syndromes, Hereditary; Tumor predisposition. Identifiers: Orphanet 140162, MedGen C0027672, MeSH D009386, MONDO:0015356.

Allele frequency attached by ClinVar (database versions not stated): gnomAD 0.00001; TOPMed 0.00001.
gnomAD v4.1: 1 of 1,614,082 alleles (0.000062%); highest among the groups gnomAD compares: African/African-American, 0.0013%; no homozygotes.

Submissions (4):

Color Diagnostics, LLC DBA Color Health
Classification: Uncertain significance for Hereditary cancer-predisposing syndrome. Last evaluated: 2025-10-27. Review status: criteria provided, single submitter. Criteria: ACMG Guidelines, 2015. Collection method: clinical testing. Allele origin: germline.
Comment: This missense variant replaces glutamic acid with aspartic acid at codon 264 of the MSH6 protein. Computational prediction is inconclusive regarding the impact of this variant on protein structure and function. To our knowledge, functional studies have not been reported for this variant. This variant has not been reported in individuals affected with MSH6-related disorders in the literature. This variant has been identified in 1/152190 chromosomes in the general population by the Genome Aggregation Database (gnomAD). The available evidence is insufficient to determine the role of this variant in disease conclusively. Therefore, this variant is classified as a Variant of Uncertain Significance.

Ambry Genetics
Classification: Uncertain significance for Hereditary cancer-predisposing syndrome. Last evaluated: 2024-11-09. Review status: criteria provided, single submitter. Criteria: Ambry Variant Classification Scheme 2023. Collection method: clinical testing. Allele origin: germline.
Comment: The p.E264D variant (also known as c.792A>C), located in coding exon 4 of the MSH6 gene, results from an A to C substitution at nucleotide position 792. The glutamic acid at codon 264 is replaced by aspartic acid, an amino acid with highly similar properties. This amino acid position is conserved. In addition, the in silico prediction for this alteration is inconclusive. Based on the available evidence, the clinical significance of this variant remains unclear.

Labcorp Genetics (formerly Invitae), Labcorp
Classification: Benign for Hereditary nonpolyposis colorectal neoplasms. Last evaluated: 2022-11-09. Review status: criteria provided, single submitter. Criteria: Invitae Variant Classification Sherloc (09022015). Collection method: clinical testing. Allele origin: germline.

GeneDx
Classification: Uncertain significance. Last evaluated: 2016-02-19. Review status: criteria provided, single submitter. Criteria: GeneDx Variant Classification (06012015). Collection method: clinical testing. Allele origin: germline. Affected: yes.
Comment: This variant is denoted MSH6 c.792A>C at the cDNA level, p.Glu264Asp (E264D) at the protein level, and results in the change of a Glutamic Acid to an Aspartic Acid (GAA>GAC). This variant has not, to our knowledge, been published in the literature as pathogenic or benign. MSH6 Glu264Asp was not observed in approximately 6,500 individuals of European and African American ancestry in the NHLBI Exome Sequencing Project, suggesting it is not a common benign variant in these populations. Since Glutamic Acid and Aspartic Acid share similar properties, this is considered a conservative amino acid substitution. MSH6 Glu264Asp occurs at a position that is conserved across species and is not located in a known functional domain (Kariola 2002, Terui 2013). In silico analyses are inconsistent regarding the effect this variant may have on protein structure and function. Based on currently available evidence, it is unclear whether MSH6 Glu264Asp is a pathogenic or benign variant. We consider it to be a variant of uncertain significance.